The following is an entry in ClinVar:

ClinVar aggregate classification (germline): Uncertain significance (1 of 4 stars; one submission).

Submission:

Labcorp Genetics (formerly Invitae), Labcorp
Classification: Uncertain significance. Last evaluated: 2025-06-23. Review status: criteria provided, single submitter. Criteria: Invitae Variant Classification Sherloc (09022015). Collection method: clinical testing. Allele origin: germline.
Comment: This sequence change replaces alanine, which is neutral and non-polar, with valine, which is neutral and non-polar, at codon 1724 of the PLXNA2 protein (p.Ala1724Val). This variant is not present in population databases (gnomAD no frequency). This variant has not been reported in the literature in individuals affected with PLXNA2-related conditions. ClinVar contains an entry for this variant (Variation ID: 2716546). Invitae Evidence Modeling of protein sequence and biophysical properties (such as structural, functional, and spatial information, amino acid conservation, physicochemical variation, residue mobility, and thermodynamic stability) indicates that this missense variant is expected to disrupt PLXNA2 protein function with a positive predictive value of 80%. Algorithms developed to predict the effect of sequence changes on RNA splicing suggest that this variant may create or strengthen a splice site. In summary, the available evidence is currently insufficient to determine the role of this variant in disease. Therefore, it has been classified as a Variant of Uncertain Significance.

NM_025179.4(PLXNA2):c.5171C>T (p.Ala1724Val)

Gene: PLXNA2 (plexin A2; minus strand). Cytogenetic location: 1q32.2.
Variant type: single nucleotide variant.
Coding change: c.5171C>T on transcript NM_025179.4 (MANE Select); coding-DNA position 5171, C replaced by T.
Protein change: p.Ala1724Val; replaces alanine 1724 with valine.
Molecular consequence: missense variant.
Genome position (GRCh38, 1-based): chr1:208,031,644, G>A on the plus strand (C>T on the coding strand, the complement: PLXNA2 is on the minus strand). VCF-style: chr1-208031644-G-A. GRCh37 (hg19) VCF-style: chr1-208204989-G-A.
Other names: short protein forms A1724V.
Identifiers: ClinVar variation 2716546 (VCV002716546.3), dbSNP rs2526404360, ClinGen allele CA344558521.